The following is an entry in ClinVar:

ClinVar aggregate classification (germline): Uncertain significance (1 of 4 stars; one submission).

Conditions:
Renal carnitine transport defect (CDSP). Also called: Carnitine transporter deficiency; Carnitine Deficiency, Systemic; Primary carnitine deficiency; Systemic primary carnitine deficiency; Systemic primary carnitine deficiency disease; CARNITINE DEFICIENCY, SYSTEMIC, DUE TO DEFECT IN RENAL REABSORPTION OF CARNITINE. Identifiers: Orphanet 158, MedGen C0342788, MONDO:0008919, OMIM 212140.

Submission:

Labcorp Genetics (formerly Invitae), Labcorp
Classification: Uncertain significance for Renal carnitine transport defect. Last evaluated: 2021-10-03. Review status: criteria provided, single submitter. Criteria: Invitae Variant Classification Sherloc (09022015). Collection method: clinical testing. Allele origin: germline.
Comment: This variant is not present in population databases (ExAC no frequency). This sequence change replaces phenylalanine with leucine at codon 480 of the SLC22A5 protein (p.Phe480Leu). The phenylalanine residue is moderately conserved and there is a small physicochemical difference between phenylalanine and leucine. This variant has not been reported in the literature in individuals affected with SLC22A5-related conditions. In summary, the available evidence is currently insufficient to determine the role of this variant in disease. Therefore, it has been classified as a Variant of Uncertain Significance. Algorithms developed to predict the effect of missense changes on protein structure and function (SIFT, PolyPhen-2, Align-GVGD) all suggest that this variant is likely to be tolerated.

NM_003060.4(SLC22A5):c.1440C>G (p.Phe480Leu)

Gene: SLC22A5 (solute carrier family 22 member 5; plus strand). Cytogenetic location: 5q31.1.
Variant type: single nucleotide variant.
Coding change: c.1440C>G on transcript NM_003060.4 (MANE Select); coding-DNA position 1440, C replaced by G.
Protein change: p.Phe480Leu; replaces phenylalanine 480 with leucine.
Molecular consequence: missense variant.
Genome position (GRCh38, 1-based): chr5:132,392,605, C>G. VCF-style: chr5-132392605-C-G. GRCh37 (hg19) VCF-style: chr5-131728297-C-G.
Other names: c.1512C>G, p.Phe504Leu (NM_001308122.2); short protein forms F480L, F504L.
Identifiers: ClinVar variation 1470184 (VCV001470184.6), dbSNP rs150457229, ClinGen allele CA360809356.